The following is an entry in ClinVar:

ClinVar aggregate classification (germline): Uncertain significance (1 of 4 stars; one submission).

Conditions:
Familial adenomatous polyposis 1 (FAP1). Also called: POLYPOSIS, ADENOMATOUS INTESTINAL; FAMILIAL ADENOMATOUS POLYPOSIS 1, ATTENUATED. Identifiers: MedGen C2713442, MONDO:0021056, OMIM 175100. Disease mechanism: loss of function.

Submission:

Labcorp Genetics (formerly Invitae), Labcorp
Classification: Uncertain significance for Familial adenomatous polyposis 1. Last evaluated: 2025-10-28. Review status: criteria provided, single submitter. Criteria: Invitae Variant Classification Sherloc (09022015). Collection method: clinical testing. Allele origin: germline.
Comment: This variant occurs in a non-coding region of the APC gene. It does not change the encoded amino acid sequence of the APC protein. This variant is not present in population databases (gnomAD no frequency). This variant has not been reported in the literature in individuals affected with APC-related conditions. Experimental studies and prediction algorithms are not available or were not evaluated, and the functional significance of this variant is currently unknown. In summary, the available evidence is currently insufficient to determine the role of this variant in disease. Therefore, it has been classified as a Variant of Uncertain Significance.

NM_001127511.3(APC):c.148_150del (p.Trp50del)

Gene: APC (APC regulator of Wnt signaling pathway; plus strand). Cytogenetic location: 5q22.2.
Variant type: Deletion.
Coding change: c.148_150del on transcript NM_001127511.3; coding-DNA positions 148 to 150, 3 bases deleted (TGG; older notation c.148_150delTGG).
Protein change: p.Trp50del; deletes tryptophan 50.
Molecular consequence: inframe deletion. On other transcripts: 5 prime UTR variant (8), non-coding transcript variant (1), intron variant (5).
Genome position (GRCh38, 1-based): chr5:112,707,865-112,707,867, TGG deleted. VCF-style (leftmost placement, unchanged base first): chr5-112707864-CTGG-C. GRCh37 (hg19) VCF-style: chr5-112043561-CTGG-C.
Other names: c.-36_-34del (NM_001354895.2, NM_001407447.1, NM_001407452.1 and 3 more transcripts); c.148_150del, p.Trp50del (NM_001354897.2, NM_001354902.2, NM_001407446.1); c.-1071_-1069del (NM_001407470.1, NM_001407472.1); c.-19+216_-19+218del (NM_001407448.1, NM_001407450.1, NM_001407457.1 and 1 more transcripts); c.-43+216_-43+218del (NM_001407453.1); short protein forms W50del.
Identifiers: ClinVar variation 4714687 (VCV004714687.1).